The following is an entry in ClinVar:

ClinVar aggregate classification (germline): Benign/Likely benign. Review status: criteria provided, multiple submitters, no conflicts (2 of 4 stars). 3 submissions from 3 submitters: Benign (1); Likely benign (2). Last evaluated 2025-03-10.

Conditions:
Pheochromocytoma/paraganglioma syndrome 5. Also called: Paragangliomas 5; SDHA-Related Hereditary Paraganglioma-Pheochromocytoma Syndrome. Identifiers: Orphanet 29072, MedGen C3279992, MONDO:0013602, OMIM 614165.
Mitochondrial complex II deficiency, nuclear type 1. Also called: SUCCINATE CoQ REDUCTASE DEFICIENCY. Identifiers: Orphanet 3208, MedGen C5700310, MONDO:0100294, OMIM 252011.
Hereditary cancer-predisposing syndrome. Also called: Tumor predisposition; Hereditary Cancer Syndrome; Hereditary neoplastic syndrome; Neoplastic Syndromes, Hereditary. Identifiers: Orphanet 140162, MedGen C0027672, MeSH D009386, MONDO:0015356.

Submissions (3):

Myriad Genetics, Inc.
Classification: Benign for Pheochromocytoma/paraganglioma syndrome 5. Last evaluated: 2025-03-10. Review status: criteria provided, single submitter. Criteria: Myriad Autosomal Dominant, Autosomal Recessive and X-Linked Classification Criteria (2023). Collection method: clinical testing. Allele origin: unknown.
Comment: This variant is considered benign. This variant is a silent/synonymous amino acid change and it is not expected to impact splicing.

Ambry Genetics
Classification: Likely benign for Hereditary cancer-predisposing syndrome. Last evaluated: 2023-04-19. Review status: criteria provided, single submitter. Criteria: Ambry Variant Classification Scheme 2023. Collection method: clinical testing. Allele origin: germline.

Labcorp Genetics (formerly Invitae), Labcorp
Classification: Likely benign for Pheochromocytoma/paraganglioma syndrome 5; Mitochondrial complex II deficiency, nuclear type 1. Last evaluated: 2021-11-28. Review status: criteria provided, single submitter. Criteria: Invitae Variant Classification Sherloc (09022015). Collection method: clinical testing. Allele origin: germline.

NM_004168.4(SDHA):c.1617C>T (p.Ile539=)

Gene: SDHA (succinate dehydrogenase complex flavoprotein subunit A; plus strand). Cytogenetic location: 5p15.33.
Variant type: single nucleotide variant.
Coding change: c.1617C>T on transcript NM_004168.4 (MANE Select); coding-DNA position 1617, C replaced by T.
Protein change: p.Ile539=; no amino-acid change (isoleucine 539 retained).
Molecular consequence: synonymous variant. On other transcripts: intron variant (1).
Genome position (GRCh38, 1-based): chr5:251,057, C>T. VCF-style: chr5-251057-C-T. GRCh37 (hg19) VCF-style: chr5-251172-C-T.
Other names: c.1617C>T (NM_004168.2); c.1473C>T, p.Ile491= (NM_001294332.2); c.1552-3336C>T (NM_001330758.2).
Identifiers: ClinVar variation 1559154 (VCV001559154.11), dbSNP rs2126632215, ClinGen allele CA442657294.